The following is an entry in ClinVar:

ClinVar aggregate classification (germline): Uncertain significance (1 of 4 stars; one submission).

Conditions:
Charcot-Marie-Tooth disease type 2. Also called: Charcot-Marie-Tooth type 2. Identifiers: Orphanet 64746, MedGen C0270914, MONDO:0018993.

Submission:

Labcorp Genetics (formerly Invitae), Labcorp
Classification: Uncertain significance for Charcot-Marie-Tooth disease type 2. Last evaluated: 2017-12-13. Review status: criteria provided, single submitter. Criteria: Invitae Variant Classification Sherloc (09022015). Collection method: clinical testing. Allele origin: germline.
Comment: In summary, the available evidence is currently insufficient to determine the role of this variant in disease. Therefore, it has been classified as a Variant of Uncertain Significance. Algorithms developed to predict the effect of missense changes on protein structure and function (SIFT, PolyPhen-2, Align-GVGD) all suggest that this variant is likely to be tolerated, but these predictions have not been confirmed by published functional studies and their clinical significance is uncertain. This variant has not been reported in the literature in individuals with GARS-related disease. This variant is not present in population databases (ExAC no frequency). This sequence change replaces glutamine with histidine at codon 707 of the GARS protein (p.Gln707His). The glutamine residue is weakly conserved and there is a small physicochemical difference between glutamine and histidine.

NM_002047.4(GARS1):c.2121A>C (p.Gln707His)

Gene: GARS1 (glycyl-tRNA synthetase 1; plus strand). Cytogenetic location: 7p14.3.
Variant type: single nucleotide variant.
Coding change: c.2121A>C on transcript NM_002047.4 (MANE Select); coding-DNA position 2121, A replaced by C.
Protein change: p.Gln707His; replaces glutamine 707 with histidine.
Molecular consequence: missense variant.
Genome position (GRCh38, 1-based): chr7:30,633,761, A>C. VCF-style: chr7-30633761-A-C. GRCh37 (hg19) VCF-style: chr7-30673377-A-C.
Other names: c.2121A>C (LRG_243t1); c.1959A>C, p.Gln653His (NM_001316772.1); short protein forms Q707H, Q653H.
Identifiers: ClinVar variation 543235 (VCV000543235.8), dbSNP rs1554340999, ClinGen allele CA367131897.
Genomic context (GRCh38, chr7:30,633,761, plus strand): 5'-GGTTGATACTTGGCTTCTCTTTCCTTGTCTCTAGATCTCTGAGCTGCCCAGCATAGTCCA[A>C]GACCTAGCCAATGGCAACATCACATGGGCTGATGTGGAGGCCAGGTATCCTCTGTTTGAA-3'
Protein context (NP_002038.2, residues 697-717): AEISELPSIV[Gln707His]DLANGNITWA